The following is an entry in ClinVar:

ClinVar aggregate classification (germline): Uncertain significance (1 of 4 stars; one submission).

Conditions:
Charcot-Marie-Tooth disease type 4. Also called: Charcot-Marie-Tooth, Type 4; Charcot-Marie-Tooth disease, type IV. Identifiers: Orphanet 64749, MedGen C4082197, MONDO:0018995.

gnomAD v4.1: 2 of 1,580,734 alleles (0.00013%); highest among the groups gnomAD compares: Middle Eastern, 0.017%; no homozygotes.

Submission:

Labcorp Genetics (formerly Invitae), Labcorp
Classification: Uncertain significance for Charcot-Marie-Tooth disease type 4. Last evaluated: 2024-04-25. Review status: criteria provided, single submitter. Criteria: Invitae Variant Classification Sherloc (09022015). Collection method: clinical testing. Allele origin: germline.
Comment: This sequence change falls in intron 4 of the SBF2 gene. It does not directly change the encoded amino acid sequence of the SBF2 protein. It affects a nucleotide within the consensus splice site. This variant is present in population databases (no rsID available, gnomAD 0.0009%). This variant has not been reported in the literature in individuals affected with SBF2-related conditions. Variants that disrupt the consensus splice site are a relatively common cause of aberrant splicing (PMID: 17576681, 9536098). Algorithms developed to predict the effect of sequence changes on RNA splicing suggest that this variant is not likely to affect RNA splicing. In summary, the available evidence is currently insufficient to determine the role of this variant in disease. Therefore, it has been classified as a Variant of Uncertain Significance.

Literature cited by the submitters: PubMed 17576681; PubMed 9536098.

NM_030962.4(SBF2):c.403-3C>T

Gene: SBF2 (SET binding factor 2; minus strand). Cytogenetic location: 11p15.4.
Variant type: single nucleotide variant.
Coding change: c.403-3C>T on transcript NM_030962.4 (MANE Select); 3 bases into the intron before coding-DNA position 403, C replaced by T.
Molecular consequence: intron variant.
Genome position (GRCh38, 1-based): chr11:10,029,878, G>A on the plus strand (C>T on the coding strand, the complement: SBF2 is on the minus strand). VCF-style: chr11-10029878-G-A. GRCh37 (hg19) VCF-style: chr11-10051425-G-A.
Other names: c.439-3C>T (NM_001425069.1, NM_001425070.1, NM_001424318.1); c.403-3C>T (NM_001386342.1, NM_001386339.1).
Identifiers: ClinVar variation 3616852 (VCV003616852.2).
Genomic context (GRCh38, chr11:10,029,878, plus strand): 5'-TTTCCAAGGAGACATTCAGGCTGTCCACATACACGGTATAGATCAAACCCAGGCAAGCCT[G>A]CAAAAAGATAAATACATGTAATTATTTCATGGAAAAAGCATTAAAAATAAATTGTTATGA-3'